The following is an entry in ClinVar:

NM_198129.4(LAMA3):c.2234G>A (p.Arg745Gln)

Gene: LAMA3 (laminin subunit alpha 3; plus strand). Cytogenetic location: 18q11.2.
Variant type: single nucleotide variant.
Coding change: c.2234G>A on transcript NM_198129.4 (MANE Select); coding-DNA position 2234, G replaced by A.
Protein change: p.Arg745Gln; replaces arginine 745 with glutamine.
Molecular consequence: missense variant.
Genome position (GRCh38, 1-based): chr18:23,819,927, G>A. VCF-style: chr18-23819927-G-A. GRCh37 (hg19) VCF-style: chr18-21399891-G-A.
Other names: c.2234G>A, p.Arg745Gln (NM_001127717.4); c.2234G>A (NM_198129.1); short protein forms R745Q.
Identifiers: ClinVar variation 1049111 (VCV001049111.4), dbSNP rs200367371, ClinGen allele CA8914894.

ClinVar aggregate classification (germline): Uncertain significance. Review status: criteria provided, single submitter (1 of 4 stars). 2 submissions from 2 submitters: Uncertain significance (1). 1 of the submissions does not count toward it. Last evaluated 2021-09-15.

Conditions:
Inborn genetic diseases. Identifiers: MedGen C0950123, MeSH D030342.

Allele frequency attached by ClinVar (database versions not stated): TOPMed 0.00007; ExAC 0.00008; gnomAD exomes 0.00008 and 0.00012; 1000 Genomes Project 30x 0.00016; 1000 Genomes Project 0.00020.
gnomAD v4.1: 188 of 1,614,058 alleles (0.012%); highest among the groups gnomAD compares: Non-Finnish European, 0.015%; no homozygotes.

Submissions (2):

Ambry Genetics
Classification: Uncertain significance for Inborn genetic diseases. Last evaluated: 2021-09-15. Review status: criteria provided, single submitter. Criteria: Ambry Variant Classification Scheme 2023. Collection method: clinical testing. Allele origin: germline.

Department of Pathology and Laboratory Medicine, Sinai Health System
Classification: Uncertain significance. Review status: no assertion criteria provided. Collection method: clinical testing. Allele origin: unknown. Affected: yes. Study: The Canadian Open Genetics Repository (COGR). Not counted in ClinVar's aggregate classification.
Comment: The LAMA3 p.Arg745Gln variant was not identified in the literature nor was it identified in ClinVar and LOVD 3.0. The variant was identified in dbSNP (ID: rs200367371) and Cosmic (confirmed somatically in an endometrial carcinoma with a FATHMM prediction score of 0.99, pathogenic). The variant was identified in control databases in 19 of 249414 chromosomes at a frequency of 0.000076 (Genome Aggregation Database Feb 27, 2017). The variant was observed in the following populations: European (non-Finnish) in 15 of 113164 chromosomes (freq: 0.000133), Latino in 3 of 34516 chromosomes (freq: 0.000087) and African in 1 of 15486 chromosomes (freq: 0.000065); it was not observed in the Ashkenazi Jewish, East Asian, European (Finnish), Other, and South Asian populations. The p.Arg745 residue is conserved in mammals and computational analyses (PolyPhen-2, SIFT, AlignGVGD, BLOSUM, MutationTaster) provide inconsistent predictions regarding the impact to the protein; this information is not very predictive of pathogenicity. The variant occurs outside of the splicing consensus sequence and in silico or computational prediction software programs (SpliceSiteFinder, MaxEntScan, NNSPLICE, GeneSplicer) do not predict a difference in splicing. In summary, based on the above information the clinical significance of this variant cannot be determined with certainty at this time. This variant is classified as a variant of uncertain significance.